The following is an entry in ClinVar:

ClinVar aggregate classification (germline): Uncertain significance (1 of 4 stars; one submission).

gnomAD v4.1: 3 of 1,613,184 alleles (0.00019%); highest among the groups gnomAD compares: Non-Finnish European, 0.00025%; no homozygotes.

Submission:

Dasa
Classification: Uncertain significance. Last evaluated: 2026-02-19. Review status: criteria provided, single submitter. Criteria: DASA Assertion Criteria. Collection method: clinical testing. Allele origin: germline.
Comment: NM_015425.6(POLR1A):c.1177C>T (p.Arg393Cys) is a missense variant that results in the substitution of arginine with cysteine. This variant is rare in population databases. The currently available literature and clinical evidence are not sufficient to establish a definitive association between this variant and the reported condition. Therefore, this variant is classified as a variant of uncertain significance.

NM_015425.6(POLR1A):c.1177C>T (p.Arg393Cys)

Gene: POLR1A (RNA polymerase I subunit A; minus strand). Cytogenetic location: 2p11.2.
Variant type: single nucleotide variant.
Coding change: c.1177C>T on transcript NM_015425.6 (MANE Select); coding-DNA position 1177, C replaced by T.
Protein change: p.Arg393Cys; replaces arginine 393 with cysteine.
Molecular consequence: missense variant.
Genome position (GRCh38, 1-based): chr2:86,078,194, G>A on the plus strand (C>T on the coding strand, the complement: POLR1A is on the minus strand). VCF-style: chr2-86078194-G-A. GRCh37 (hg19) VCF-style: chr2-86305317-G-A.
Other names: short protein forms R393C.
Identifiers: ClinVar variation 4885377 (VCV004885377.2).
Genomic context (GRCh38, chr2:86,078,194, plus strand): 5'-TGTCCATCATTAGTTTGTCCATCTCGCTATCAAACACAATATTGACGTGGCTCTGAAGGC[G>A]AATCCAAATGTTGTAAAGTTTGTCTATGAGGGACTGGCCTGGAAGTGTACTCAAAAAGGA-3'
Protein context (NP_056240.2, residues 383-403): LIDKLYNIWI[Arg393Cys]LQSHVNIVFD